The following is an entry in ClinVar:

NM_001510.4(GRID2):c.121G>T (p.Asp41Tyr)

Gene: GRID2 (glutamate ionotropic receptor delta type subunit 2; plus strand). Cytogenetic location: 4q22.1.
Variant type: single nucleotide variant.
Coding change: c.121G>T on transcript NM_001510.4 (MANE Select); coding-DNA position 121, G replaced by T.
Protein change: p.Asp41Tyr; replaces aspartic acid 41 with tyrosine.
Molecular consequence: missense variant.
Genome position (GRCh38, 1-based): chr4:92,590,163, G>T. VCF-style: chr4-92590163-G-T. GRCh37 (hg19) VCF-style: chr4-93511314-G-T.
Other names: c.121G>T, p.Asp41Tyr (NM_001286838.1); short protein forms D41Y.
Identifiers: ClinVar variation 1031990 (VCV001031990.1), dbSNP rs1728640535, ClinGen allele CA357721843.

ClinVar aggregate classification (germline): Uncertain significance (1 of 4 stars; one submission).

Conditions:
Autosomal recessive spinocerebellar ataxia 18. Identifiers: Orphanet 363432, MedGen C4015505, MONDO:0014530, OMIM 616204.

Allele frequency attached by ClinVar (database versions not stated): gnomAD exomes below 0.00001.
gnomAD v4.1: 1 of 1,612,296 alleles (0.000062%); highest among the groups gnomAD compares: Non-Finnish European, 0.000085%; no homozygotes.

Submission:

Baylor Genetics
Classification: Uncertain significance for Autosomal recessive spinocerebellar ataxia 18. Last evaluated: 2018-01-18. Review status: criteria provided, single submitter. Criteria: ACMG Guidelines, 2015. Collection method: clinical testing. Allele origin: unknown. Affected: yes.
Comment: This variant was determined to be of uncertain significance according to ACMG Guidelines, 2015 [PMID:25741868].